The following is an entry in ClinVar:

NM_001429.4(EP300):c.730-7_730-2del

Gene: EP300 (EP300 lysine acetyltransferase; plus strand). Cytogenetic location: 22q13.2.
Variant type: Deletion.
Coding change: c.730-7_730-2del on transcript NM_001429.4 (MANE Select); 7 bases into the intron before coding-DNA position 730 through the canonical splice acceptor site of the intron before coding-DNA position 730, 6 bases deleted (CTCTTA; older notation c.730-7_730-2delCTCTTA).
Molecular consequence: splice acceptor variant.
Genome position (GRCh38, 1-based): chr22:41,125,857-41,125,862, CTCTTA deleted; deleting any 6 consecutive bases within chr22:41,125,852-41,125,862 gives the same sequence; the c. name uses the placement nearest the transcript's 3' end. VCF-style (leftmost placement, unchanged base first): chr22-41125851-TTCTTAC-T. GRCh37 (hg19) VCF-style: chr22-41521855-TTCTTAC-T.
Other names: c.730-7_730-2del6 (NM_001429.3); c.730-7_730-2del (NM_001362843.2).
Identifiers: ClinVar variation 1598241 (VCV001598241.11), dbSNP rs762256767, ClinGen allele CA10252338.
Genomic context (GRCh38, chr22:41,125,851, plus strand): 5'-TGAAATCAGAAAAGGAATAATAATGTCTTAAATTTTATTGCTTATTTTGTTTTCTTTTGT[TTCTTAC>T]TCTTAGATGGGAATGATGAACAACCCCAATCCTTATGGTTCACCATATACTCAGAATCCT-3'

ClinVar aggregate classification (germline): Likely benign. Review status: criteria provided, single submitter (1 of 4 stars). 2 submissions from 2 submitters: Likely benign (1). 1 of the submissions does not count toward it. Last evaluated 2026-01-01.

Conditions:
EP300-related disorder. Also called: EP300-related condition; EP300-related disorders.
Rubinstein-Taybi syndrome due to EP300 haploinsufficiency. Also called: EP300-Related Rubinstein-Taybi Syndrome; RUBINSTEIN-TAYBI SYNDROME 2. Identifiers: Orphanet 353284, Orphanet 783, MedGen C3150941, MONDO:0013364, OMIM 613684.

Submissions (2):

Labcorp Genetics (formerly Invitae), Labcorp
Classification: Likely benign for Rubinstein-Taybi syndrome due to EP300 haploinsufficiency. Last evaluated: 2026-01-01. Review status: criteria provided, single submitter. Criteria: Invitae Variant Classification Sherloc (09022015). Collection method: clinical testing. Allele origin: germline.

PreventionGenetics, part of Exact Sciences
Classification: Likely benign for EP300-related condition. Last evaluated: 2020-01-31. Review status: no assertion criteria provided. Collection method: clinical testing. Allele origin: germline. Not counted in ClinVar's aggregate classification.
Comment: This variant is classified as likely benign based on ACMG/AMP sequence variant interpretation guidelines (Richards et al. 2015 PMID: 25741868, with internal and published modifications).